The following is an entry in ClinVar:

ClinVar aggregate classification (germline): Uncertain significance (1 of 4 stars; one submission).

Allele frequency attached by ClinVar (database versions not stated): ExAC 0.00001; gnomAD 0.00007; 1000 Genomes Project 0.00020; TOPMed 0.00025; 1000 Genomes Project 30x 0.00031.
gnomAD v4.1: 18 of 1,613,532 alleles (0.0011%); highest among the groups gnomAD compares: Admixed American, 0.023%; no homozygotes.

Submission:

Labcorp Genetics (formerly Invitae), Labcorp
Classification: Uncertain significance. Last evaluated: 2022-07-18. Review status: criteria provided, single submitter. Criteria: Invitae Variant Classification Sherloc (09022015). Collection method: clinical testing. Allele origin: germline.
Comment: This sequence change falls in intron 6 of the CABP2 gene. It does not directly change the encoded amino acid sequence of the CABP2 protein. It affects a nucleotide within the consensus splice site. This variant is present in population databases (rs200289196, gnomAD 0.003%). This variant has not been reported in the literature in individuals affected with CABP2-related conditions. Variants that disrupt the consensus splice site are a relatively common cause of aberrant splicing (PMID: 17576681, 9536098). Algorithms developed to predict the effect of sequence changes on RNA splicing suggest that this variant is not likely to affect RNA splicing. In summary, the available evidence is currently insufficient to determine the role of this variant in disease. Therefore, it has been classified as a Variant of Uncertain Significance.

Literature cited by the submitters: PubMed 17576681; PubMed 9536098.

NM_016366.3(CABP2):c.637+4C>T

Gene: CABP2 (calcium binding protein 2; minus strand). Cytogenetic location: 11q13.2.
Variant type: single nucleotide variant.
Coding change: c.637+4C>T on transcript NM_016366.3 (MANE Select); 4 bases into the intron after coding-DNA position 637, C replaced by T.
Molecular consequence: intron variant.
Genome position (GRCh38, 1-based): chr11:67,519,789, G>A on the plus strand (C>T on the coding strand, the complement: CABP2 is on the minus strand). VCF-style: chr11-67519789-G-A. GRCh37 (hg19) VCF-style: chr11-67287260-G-A.
Other names: c.655+4C>T (NM_001318496.2).
Identifiers: ClinVar variation 2183630 (VCV002183630.1), dbSNP rs200289196, ClinGen allele CA6142364.
Genomic context (GRCh38, chr11:67,519,789, plus strand): 5'-TGTGCGGTTTCTTATCTGCTAGGACCCTTCCAGGGCGTGTGTTGCTATGTGCGGCAGGGG[G>A]TACCTTCGAAGTCGACCAGACCGTCCCCATTGAGGTCCACGTCCTGGAGGATCTCGTCCA-3'